The following is an entry in ClinVar:

NM_012330.4(KAT6B):c.3906del (p.Ser1303fs)

Gene: KAT6B (lysine acetyltransferase 6B; plus strand). Cytogenetic location: 10q22.2.
Variant type: Deletion.
Coding change: c.3906del on transcript NM_012330.4 (MANE Select); coding-DNA position 3906, one base deleted (C; older notation c.3906delC).
Protein change: p.Ser1303fs; shifts the reading frame from serine 1303.
Molecular consequence: frameshift variant.
Genome position (GRCh38, 1-based): chr10:75,028,730, C deleted; the last of 4 consecutive C bases (chr10:75,028,727-75,028,730); deleting any one gives the same sequence. VCF-style (leftmost placement, unchanged base first): chr10-75028726-GC-G. GRCh37 (hg19) VCF-style: chr10-76788484-GC-G.
Other names: c.3906del (NM_012330.3); c.3357del, p.Ser1120fs (NM_001256468.2, NM_001370138.1); c.3030del, p.Ser1011fs (NM_001256469.2, NM_001370139.1, NM_001370140.1 and 2 more transcripts); c.2868del, p.Ser957fs (NM_001370132.1); c.2217del, p.Ser740fs (NM_001370133.1); c.1821del, p.Ser608fs (NM_001370134.1); c.1563del, p.Ser522fs (NM_001370135.1); c.3906del, p.Ser1303fs (NM_001370136.1, NM_001370137.1); and 1 more; short protein forms S1011fs, S1120fs, S1303fs, S522fs, S608fs, S740fs, S948fs, S957fs.
Identifiers: ClinVar variation 1027387 (VCV001027387.2), dbSNP rs2134234910, ClinGen allele CA2499220380.

ClinVar aggregate classification (germline): Pathogenic. Review status: criteria provided, single submitter (1 of 4 stars). 2 submissions from 2 submitters: Pathogenic (1). 1 of the submissions does not count toward it. Last evaluated 2022-11-12.

Conditions:
Genitopatellar syndrome (GTPTS). Also called: Genitopatellar syndrome (GPS); ABSENT PATELLAE, SCROTAL HYPOPLASIA, RENAL ANOMALIES, FACIAL DYSMORPHISM, AND MENTAL RETARDATION. Identifiers: Orphanet 85201, MedGen C1853566, MONDO:0011640, OMIM 606170.

Submissions (2):

GeneDx
Classification: Pathogenic. Last evaluated: 2022-11-12. Review status: criteria provided, single submitter. Criteria: GeneDx Variant Classification Process June 2021. Collection method: clinical testing. Allele origin: germline. Affected: yes.
Comment: Frameshift variant predicted to result in protein truncation as the last 771 amino acids are replaced with 30 different amino acids, although loss-of-function variants have not been reported downstream of this position in the protein; Not observed at significant frequency in large population cohorts (gnomAD); Has not been previously published as pathogenic or benign to our knowledge

Institute of Medical Genetics, Medical University of Vienna
Classification: Likely pathogenic for Genitopatellar syndrome. Last evaluated: 2021-03-10. Review status: no assertion criteria provided. Collection method: clinical testing. Allele origin: de novo. Affected: yes. Not counted in ClinVar's aggregate classification.